The following is an entry in ClinVar:

NM_001127644.2(GABRA1):c.288C>T (p.Ser96=)

Gene: GABRA1 (gamma-aminobutyric acid type A receptor subunit alpha1; plus strand). Cytogenetic location: 5q34.
Variant type: single nucleotide variant.
Coding change: c.288C>T on transcript NM_001127644.2 (MANE Select); coding-DNA position 288, C replaced by T.
Protein change: p.Ser96=; no amino-acid change (serine 96 retained).
Molecular consequence: synonymous variant.
Genome position (GRCh38, 1-based): chr5:161,873,149, C>T. VCF-style: chr5-161873149-C-T. GRCh37 (hg19) VCF-style: chr5-161300155-C-T.
Other names: c.288C>T, p.Ser96= (NM_000806.5, NM_001127643.2, NM_001127645.2 and 1 more transcripts).
Identifiers: ClinVar variation 2933602 (VCV002933602.17), dbSNP rs534779853, ClinGen allele CA3544394.
Genomic context (GRCh38, chr5:161,873,149, plus strand): 5'-CTCTTCGTCATTTTCCAAAATTACCTAGGAATATACAATAGATGTATTTTTCCGTCAAAG[C>T]TGGAAGGATGAAAGGTTAAAATTTAAAGGACCTATGACAGTCCTCCGGTTAAATAACCTA-3'
Protein context (NP_001121116.1, residues 86-106): EYTIDVFFRQ[Ser96=]WKDERLKFKG

ClinVar aggregate classification (germline): Likely benign. Review status: criteria provided, multiple submitters, no conflicts (2 of 4 stars). 2 submissions from 2 submitters: Likely benign (2). Last evaluated 2024-11-01.

Conditions:
Idiopathic generalized epilepsy. Also called: Generalised epilepsy; EIG. Identifiers: MedGen C0270850, MONDO:0005579, OMIM 600669.
Epilepsy, idiopathic generalized, susceptibility to, 13. Also called: EPILEPSY, JUVENILE MYOCLONIC, SUSCEPTIBILITY TO, 5. Identifiers: Orphanet 307, Orphanet 64280, MedGen C4013473, MONDO:0012627, OMIM 611136.
Epilepsy, childhood absence 4 (ECA4). Also called: EPILEPSY, CHILDHOOD ABSENCE, SUSCEPTIBILITY TO, 4. Identifiers: Orphanet 307, MedGen C1970160.

Allele frequency attached by ClinVar (database versions not stated): gnomAD 0.00001; gnomAD exomes 0.00002; ExAC 0.00007; 1000 Genomes Project 30x 0.00016; 1000 Genomes Project 0.00020.

Submissions (2):

CeGaT Center for Human Genetics Tuebingen
Classification: Likely benign. Last evaluated: 2024-11-01. Review status: criteria provided, single submitter. Criteria: CeGaT Center For Human Genetics Tuebingen Variant Classification Criteria Version 2. Collection method: clinical testing. Allele origin: germline. Affected: yes. Observed: 1 variant allele.
Comment: GABRA1: BP4, BP7

Labcorp Genetics (formerly Invitae), Labcorp
Classification: Likely benign for Epilepsy, childhood absence 4; Epilepsy, idiopathic generalized, susceptibility to, 13; Idiopathic generalized epilepsy. Last evaluated: 2023-10-17. Review status: criteria provided, single submitter. Criteria: Invitae Variant Classification Sherloc (09022015). Collection method: clinical testing. Allele origin: germline.